The following is an entry in ClinVar:

NM_001242.5(CD27):c.15T>A (p.His5Gln)

Genes: CD27 (CD27 molecule; plus strand), CD27-AS1 (CD27 antisense RNA 1; minus strand). Cytogenetic location: 12p13.31.
Variant type: single nucleotide variant.
Coding change: c.15T>A on transcript NM_001242.5 (MANE Select); coding-DNA position 15, T replaced by A.
Protein change: p.His5Gln; replaces histidine 5 with glutamine.
Molecular consequence: missense variant.
Genome position (GRCh38, 1-based): chr12:6,445,110, T>A. VCF-style: chr12-6445110-T-A. GRCh37 (hg19) VCF-style: chr12-6554276-T-A.
Other names: short protein forms H5Q.
Identifiers: ClinVar variation 1058086 (VCV001058086.9), dbSNP rs1259951366, ClinGen allele CA383544652.

ClinVar aggregate classification (germline): Uncertain significance (1 of 4 stars; one submission).

Conditions:
Lymphoproliferative syndrome 2 (LPFS2). Also called: CD27 DEFICIENCY; Combined immunodeficiency due to CD27 deficiency. Identifiers: Orphanet 238505, MedGen C3554540, MONDO:0014054, OMIM 615122.

Submission:

Labcorp Genetics (formerly Invitae), Labcorp
Classification: Uncertain significance for Lymphoproliferative syndrome 2. Last evaluated: 2020-03-04. Review status: criteria provided, single submitter. Criteria: Invitae Variant Classification Sherloc (09022015). Collection method: clinical testing. Allele origin: germline.
Comment: In summary, the available evidence is currently insufficient to determine the role of this variant in disease. Therefore, it has been classified as a Variant of Uncertain Significance. Algorithms developed to predict the effect of missense changes on protein structure and function (SIFT, PolyPhen-2, Align-GVGD) all suggest that this variant is likely to be tolerated, but these predictions have not been confirmed by published functional studies and their clinical significance is uncertain. This sequence change replaces histidine with glutamine at codon 5 of the CD27 protein (p.His5Gln). The histidine residue is weakly conserved and there is a small physicochemical difference between histidine and glutamine. This variant is not present in population databases (ExAC no frequency). This variant has not been reported in the literature in individuals with CD27-related conditions.